The following is an entry in ClinVar:

NM_005159.5(ACTC1):c.809-58TG[22]

Genes: ACTC1 (actin alpha cardiac muscle 1; minus strand), GJD2-DT (GJD2 divergent transcript; plus strand). Cytogenetic location: 15q14.
Variant type: Microsatellite.
Coding change: c.809-58TG[22] on transcript NM_005159.5 (MANE Select); 22 copies in a row of the 2-base unit TG starting at c.809-58; the reference has 23 copies in a row; one copy, 2 bases deleted.
Molecular consequence: intron variant.
Genome position (GRCh38, 1-based): chr15:34,791,308-34,791,309, CA deleted on the plus strand (TG on the coding strand, the reverse complement: ACTC1 is on the minus strand); deleting any 2 consecutive bases within chr15:34,791,308-34,791,353 gives the same sequence; the position shown is the placement nearest the transcript's 3' end. VCF-style (leftmost placement, unchanged base first): chr15-34791307-TCA-T. GRCh37 (hg19) VCF-style: chr15-35083508-TCA-T.
Other names: c.809-14_809-13del (NM_005159.5).
Identifiers: ClinVar variation 315707 (VCV000315707.20), dbSNP rs59431308, ClinGen allele CA10641650.

ClinVar aggregate classification (germline): Benign/Likely benign. Review status: criteria provided, multiple submitters, no conflicts (2 of 4 stars). 7 submissions from 7 submitters: Benign (1); Likely benign (3). 3 of the submissions do not count toward it. Last evaluated 2026-02-04.

Conditions:
ACTC1-related disorder. Also called: ACTC1-related condition.
Hypertrophic cardiomyopathy 11. Also called: ACTC1-Related Familial Hypertrophic Cardiomyopathy. Identifiers: MedGen C2677506, MONDO:0012799, OMIM 612098.
Atrial septal defect 5 (ASD5). Identifiers: Orphanet 1478, MedGen C2748552, MONDO:0013011, OMIM 612794.
Dilated cardiomyopathy 1R (CMD1R). Identifiers: Orphanet 154, Orphanet 54260, MedGen C3150681, MONDO:0013261, OMIM 613424.

Submissions (7):

Labcorp Genetics (formerly Invitae), Labcorp
Classification: Likely benign for Dilated cardiomyopathy 1R; Hypertrophic cardiomyopathy 11; Atrial septal defect 5. Last evaluated: 2026-02-04. Review status: criteria provided, single submitter. Criteria: Invitae Variant Classification Sherloc (09022015). Collection method: clinical testing. Allele origin: germline.

Genomic Medicine Center of Excellence, King Faisal Specialist Hospital and Research Centre
Classification: Likely benign for Dilated cardiomyopathy 1R. Last evaluated: 2025-09-10. Review status: criteria provided, single submitter. Criteria: ACMG Guidelines, 2015. Collection method: clinical testing. Allele origin: germline.

Blueprint Genetics
Classification: Likely benign. Last evaluated: 2024-11-27. Review status: criteria provided, single submitter. Criteria: ACMG Guidelines, 2015. Collection method: clinical testing. Allele origin: germline.

Women's Health and Genetics/Laboratory Corporation of America, LabCorp
Classification: Benign. Last evaluated: 2020-10-26. Review status: criteria provided, single submitter. Criteria: LabCorp Variant Classification Summary - May 2015. Collection method: clinical testing. Allele origin: germline.
Comment: Variant summary: ACTC1 c.809-14_809-13delTG is located to a polymorphic region, occurring in a poly-GT tract in intron 5, close to a canonical splice site and therefore could affect mRNA splicing, leading to a significantly altered protein sequence. 4/4 computational tools predict no significant impact on normal splicing. However, these predictions have yet to be confirmed by functional studies. The variant allele was found at a frequency of 0.063 in 132330 control chromosomes in the gnomAD database (v3, genomes dataset), including 296 homozygotes. The observed variant frequency is approximately 2500-fold of the estimated maximal expected allele frequency for a pathogenic variant in ACTC1 causing Cardiomyopathy phenotype (2.5e-05), strongly suggesting that the variant is benign. To our knowledge, no occurrence of c.809-14_809-13delTG in individuals affected with Cardiomyopathy and no experimental evidence demonstrating its impact on protein function have been reported. One clinical diagnostic laboratory has submitted clinical-significance assessments for this variant to ClinVar after 2014 without evidence for independent evaluation, and classified the variant as uncertain significance. Based on the evidence outlined above, the variant was classified as benign.

PreventionGenetics, part of Exact Sciences
Classification: Likely benign for ACTC1-related condition. Last evaluated: 2021-04-01. Review status: no assertion criteria provided. Collection method: clinical testing. Allele origin: germline. Not counted in ClinVar's aggregate classification.
Comment: This variant is classified as likely benign based on ACMG/AMP sequence variant interpretation guidelines (Richards et al. 2015 PMID: 25741868, with internal and published modifications).

Genome Diagnostics Laboratory, University Medical Center Utrecht
Classification: Likely benign. Review status: no assertion criteria provided. Collection method: clinical testing. Allele origin: germline. Affected: yes. Study: VKGL Data-share Consensus. Not counted in ClinVar's aggregate classification.

Joint Genome Diagnostic Labs from Nijmegen and Maastricht, Radboudumc and MUMC+
Classification: Benign. Review status: no assertion criteria provided. Collection method: clinical testing. Allele origin: germline. Affected: yes. Study: VKGL Data-share Consensus. Not counted in ClinVar's aggregate classification.